The following is an entry in ClinVar:

ClinVar aggregate classification (germline): Benign/Likely benign. Review status: criteria provided, multiple submitters, no conflicts (2 of 4 stars). 7 submissions from 7 submitters: Benign (2); Likely benign (2). 3 of the submissions do not count toward it. Last evaluated 2026-03-01.

Conditions:
Axenfeld-Rieger syndrome type 3 (RIEG3). Also called: AXENFELD-RIEGER ANOMALY WITH CARDIAC DEFECTS AND/OR SENSORINEURAL HEARING LOSS. Identifiers: Orphanet 782, MedGen C2678503, MONDO:0011233, OMIM 602482.
FOXC1-related disorder. Also called: FOXC1-related condition.

Submissions (7):

CeGaT Center for Human Genetics Tuebingen
Classification: Likely benign. Last evaluated: 2026-03-01. Review status: criteria provided, single submitter. Criteria: CeGaT Center For Human Genetics Tuebingen Variant Classification Criteria Version 2. Collection method: clinical testing. Allele origin: germline. Affected: yes. Observed: 1 variant allele.
Comment: FOXC1: BS1

Labcorp Genetics (formerly Invitae), Labcorp
Classification: Benign for Axenfeld-Rieger syndrome type 3. Last evaluated: 2025-12-30. Review status: criteria provided, single submitter. Criteria: Invitae Variant Classification Sherloc (09022015). Collection method: clinical testing. Allele origin: germline.

Eurofins Ntd Llc (ga)
Classification: Likely benign. Last evaluated: 2018-02-01. Review status: criteria provided, single submitter. Criteria: EGL Classification Definitions 2015. Collection method: clinical testing. Allele origin: germline. Observed: 3 variant alleles, 3 heterozygotes.

GeneDx
Classification: Benign. Last evaluated: 2015-03-03. Review status: criteria provided, single submitter. Criteria: GeneDx Variant Classification Process June 2021. Collection method: clinical testing. Allele origin: germline. Affected: yes.
Comment: This variant is associated with the following publications: (PMID: 27463523, 18708620, 19626132)

PreventionGenetics, part of Exact Sciences
Classification: Likely benign for FOXC1-related condition. Last evaluated: 2023-06-06. Review status: no assertion criteria provided. Collection method: clinical testing. Allele origin: germline. Not counted in ClinVar's aggregate classification.
Comment: This variant is classified as likely benign based on ACMG/AMP sequence variant interpretation guidelines (Richards et al. 2015 PMID: 25741868, with internal and published modifications).

Diagnostic Laboratory, Department of Genetics, University Medical Center Groningen
Classification: Likely benign. Review status: no assertion criteria provided. Collection method: clinical testing. Allele origin: germline. Affected: yes. Study: VKGL Data-share Consensus. Not counted in ClinVar's aggregate classification.

Laboratory of Diagnostic Genome Analysis, Leiden University Medical Center (LUMC)
Classification: Likely benign. Review status: no assertion criteria provided. Collection method: clinical testing. Allele origin: germline. Affected: yes. Study: VKGL Data-share Consensus. Not counted in ClinVar's aggregate classification.

NM_001453.3(FOXC1):c.83CGGCGGCCG[1] (p.Ala31_Ala33del)

Gene: FOXC1 (forkhead box C1; plus strand). Cytogenetic location: 6p25.3.
Variant type: Microsatellite.
Coding change: c.83CGGCGGCCG[1] on transcript NM_001453.3 (MANE Select); one copy of the 9-base unit CGGCGGCCG starting at c.83; the reference has two copies in a row; one copy, 9 bases deleted; also written c.92_100del.
Protein change: p.Ala31_Ala33del.
Molecular consequence: inframe deletion.
Genome position (GRCh38, 1-based): chr6:1,610,537-1,610,545, CGGCGGCCG deleted; deleting any 9 consecutive bases within chr6:1,610,526-1,610,545 gives the same sequence; the position shown is the placement nearest the transcript's 3' end. VCF-style (leftmost placement, unchanged base first): chr6-1610525-GCGCGGCGGC-G. GRCh37 (hg19) VCF-style: chr6-1610760-GCGCGGCGGC-G.
Other names: c.92_100del (NM_001453.2); c.92_100del9 (NM_001453.2).
Identifiers: ClinVar variation 469652 (VCV000469652.25), dbSNP rs756196843, ClinGen allele CA3614694.